The following is an entry in ClinVar:

NM_003235.5(TG):c.6549del (p.Tyr2184fs)

Gene: TG (thyroglobulin; plus strand). Cytogenetic location: 8q24.22.
Variant type: Deletion.
Coding change: c.6549del on transcript NM_003235.5 (MANE Select); coding-DNA position 6549, one base deleted (C; older notation c.6549delC).
Protein change: p.Tyr2184fs; shifts the reading frame from tyrosine 2184.
Molecular consequence: frameshift variant.
Genome position (GRCh38, 1-based): chr8:133,013,751, C deleted. VCF-style (leftmost placement, unchanged base first): chr8-133013750-TC-T. GRCh37 (hg19) VCF-style: chr8-134025995-TC-T.
Other names: c.6549del (NM_003235.4); short protein forms Y2184fs.
Identifiers: ClinVar variation 2992941 (VCV002992941.4), dbSNP rs778316724, ClinGen allele CA4884939.

ClinVar aggregate classification (germline): Conflicting classifications of pathogenicity. Review status: criteria provided, conflicting classifications (1 of 4 stars). 2 submissions from 2 submitters: Pathogenic (1); Uncertain significance (1). Last evaluated 2025-06-25.

Allele frequency attached by ClinVar (database versions not stated): gnomAD exomes below 0.00001; ExAC 0.00001; gnomAD 0.00001; TOPMed 0.00003.

Submissions (2):

GeneDx
Classification: Uncertain significance. Last evaluated: 2025-06-25. Review status: criteria provided, single submitter. Criteria: GeneDx Variant Classification Process June 2021. Collection method: clinical testing. Allele origin: germline. Affected: yes.
Comment: Frameshift variant predicted to result in protein truncation or nonsense mediated decay in a gene for which loss of function is a known mechanism of disease; Has not been previously published as pathogenic or benign to our knowledge; This variant is associated with the following publications: (PMID: 34200080)

Labcorp Genetics (formerly Invitae), Labcorp
Classification: Pathogenic. Last evaluated: 2023-09-27. Review status: criteria provided, single submitter. Criteria: Invitae Variant Classification Sherloc (09022015). Collection method: clinical testing. Allele origin: germline.
Comment: For these reasons, this variant has been classified as Pathogenic. This variant has not been reported in the literature in individuals affected with TG-related conditions. This variant is present in population databases (rs778316724, gnomAD 0.008%). This sequence change creates a premature translational stop signal (p.Tyr2184Thrfs*66) in the TG gene. It is expected to result in an absent or disrupted protein product. Loss-of-function variants in TG are known to be pathogenic (PMID: 19837936, 23164529).

Literature cited by the submitters: PubMed 19837936 (cited by Labcorp Genetics (formerly Invitae), Labcorp); PubMed 23164529 (cited by Labcorp Genetics (formerly Invitae), Labcorp).